The following is an entry in ClinVar:

NM_000369.5(TSHR):c.1430C>T (p.Thr477Ile)

Genes: TSHR-AS1 (TSHR antisense RNA 1; minus strand), TSHR (thyroid stimulating hormone receptor; plus strand). Cytogenetic location: 14q31.1.
Variant type: single nucleotide variant.
Coding change: c.1430C>T on transcript NM_000369.5 (MANE Select); coding-DNA position 1430, C replaced by T.
Protein change: p.Thr477Ile; replaces threonine 477 with isoleucine.
Molecular consequence: missense variant.
Genome position (GRCh38, 1-based): chr14:81,143,488, C>T. VCF-style: chr14-81143488-C-T. GRCh37 (hg19) VCF-style: chr14-81609832-C-T.
Other names: short protein forms T477I.
Identifiers: ClinVar variation 6455 (VCV000006455.2), dbSNP rs121908881, ClinGen allele CA118263.

ClinVar aggregate classification (germline): Likely pathogenic. Review status: criteria provided, single submitter (1 of 4 stars). 2 submissions from 2 submitters: Likely pathogenic (1). 1 of the submissions does not count toward it. Last evaluated 2025-07-21.

Conditions:
Hypothyroidism due to TSH receptor mutations. Also called: Hypothyroidism, congenital, nongoitrous, 1; TSH RESISTANCE; HYPOTHYROIDISM DUE TO UNRESPONSIVENESS TO THYROTROPIN; HYPOTHYROIDISM, CONGENITAL, DUE TO TSH RESISTANCE; HYPOTHYROIDISM, NONAUTOIMMUNE; THYROID-STIMULATING HORMONE, RESISTANCE TO. Identifiers: Orphanet 90673, MedGen C3493776, MONDO:0010142, OMIM 275200.

Allele frequency attached by ClinVar (database versions not stated): gnomAD exomes below 0.00001 and 0.00001.

Submissions (2):

Women's Health and Genetics/Laboratory Corporation of America, LabCorp
Classification: Likely pathogenic for Hypothyroidism due to TSH receptor mutations. Last evaluated: 2025-07-21. Review status: criteria provided, single submitter. Criteria: LabCorp Variant Classification Summary - May 2015. Collection method: clinical testing. Allele origin: germline.
Comment: Variant summary: TSHR c.1430C>T (p.Thr477Ile) results in a non-conservative amino acid change in the encoded protein sequence. Algorithms developed to predict the effect of missense changes on protein structure and function all suggest that this variant is likely to be disruptive. The variant allele was found at a frequency of 4e-06 in 251372 control chromosomes (gnomAD). c.1430C>T has been observed in a homozygous individual affected with Hypothyroidism Due To TSH Receptor Mutations (Tonacchera_2000). These data indicate that the variant may be associated with disease. This publication also reports experimental evidence evaluating an impact on protein function, finding that the variant results in a dramatic reduction in cell surface expression and a loss of cAMP accumulation after bovine TSH challenge. The following publication has been ascertained in the context of this evaluation (PMID: 10720030). ClinVar contains an entry for this variant (Variation ID: 6455). Based on the evidence outlined above, the variant was classified as likely pathogenic.

OMIM
Classification: Pathogenic for HYPOTHYROIDISM, CONGENITAL, NONGOITROUS, 1. Last evaluated: 2000-03-01. Review status: no assertion criteria provided. Collection method: literature only. Allele origin: germline. Not counted in ClinVar's aggregate classification.

Literature cited by the submitters: PubMed 10720030 (cited by Women's Health and Genetics/Laboratory Corporation of America, LabCorp and OMIM).